The following is an entry in ClinVar:

ClinVar aggregate classification (germline): Likely benign (1 of 4 stars; one submission).

Conditions:
SOX4-related disorder. Also called: SOX4-related condition.

Submission:

PreventionGenetics, part of Exact Sciences
Classification: Likely benign for SOX4-related condition. Last evaluated: 2025-03-11. Review status: criteria provided, single submitter. Criteria: ACMG Guidelines, 2015. Collection method: clinical testing. Allele origin: germline.
Comment: This variant is classified as likely benign based on ACMG/AMP sequence variant interpretation guidelines (Richards et al. 2015 PMID: 25741868, with internal and published modifications).

NM_003107.3(SOX4):c.666CGG[7] (p.Gly227_Lys228insGlyGly)

Gene: SOX4 (SRY-box transcription factor 4; plus strand). Cytogenetic location: 6p22.3.
Variant type: Microsatellite.
Coding change: c.666CGG[7] on transcript NM_003107.3 (MANE Select); seven copies in a row of the 3-base unit CGG starting at c.666; the reference has five copies in a row; two copies, 6 bases duplicated.
Protein change: p.Gly227_Lys228insGlyGly.
Molecular consequence: inframe insertion.
Genome position (GRCh38, 1-based): chr6:21,595,209-21,595,214, CGGCGG duplicated; duplicating any 6 consecutive bases within chr6:21,595,198-21,595,214 gives the same sequence; the position shown is the placement nearest the transcript's 3' end. VCF-style (leftmost placement, unchanged base first): chr6-21595197-A-AGGCGGC. GRCh37 (hg19) VCF-style: chr6-21595428-A-AGGCGGC.
Identifiers: ClinVar variation 4977753 (VCV004977753.1).
Genomic context (GRCh38, chr6:21,595,197, plus strand): 5'-CAAAGTGGCGGGCGGCGCGGGCGGTGGGGTTAGCAAACCGCACGCCAAGCTCATCCTGGC[A>AGGCGGC]GGCGGCGGCGGCGGCGGGAAAGCAGCGGCTGCCGCCGCCGCCTCCTTCGCCGCCGAACAG-3'